The following is an entry in ClinVar:

NM_003356.4(UCP3):c.923G>A (p.Arg308Gln)

Gene: UCP3 (uncoupling protein 3; minus strand). Cytogenetic location: 11q13.4.
Variant type: single nucleotide variant.
Coding change: c.923G>A on transcript NM_003356.4 (MANE Select); coding-DNA position 923, G replaced by A.
Protein change: p.Arg308Gln; replaces arginine 308 with glutamine.
Molecular consequence: missense variant.
Genome position (GRCh38, 1-based): chr11:74,001,428, C>T on the plus strand (G>A on the coding strand, the complement: UCP3 is on the minus strand). VCF-style: chr11-74001428-C-T. GRCh37 (hg19) VCF-style: chr11-73712473-C-T.
Other names: short protein forms R308Q.
Identifiers: ClinVar variation 3043451 (VCV003043451.3), dbSNP rs752808421, ClinGen allele CA6181305.
Genomic context (GRCh38, chr11:74,001,428, plus strand): 5'-ACTGGTTTCGGACACGTTAGCTACCAGTGGCCTTCTTGTCTTGTTCAAAACGGTGATTCC[C>T]GTAACATCTGGACTTTCATCAGGGCCCGTTTCAGCTGCTCATAGGTTACGAACATCACCA-3'
Protein context (NP_003347.1, residues 298-312): KRALMKVQML[Arg308Gln]ESPF

ClinVar aggregate classification (germline): Uncertain significance. Review status: criteria provided, single submitter (1 of 4 stars). 2 submissions from 2 submitters: Uncertain significance (1). 1 of the submissions does not count toward it. Last evaluated 2025-04-03.

Conditions:
UCP3-related disorder. Also called: UCP3-related condition.

Allele frequency attached by ClinVar (database versions not stated): gnomAD 0.00003; ExAC 0.00004; gnomAD exomes 0.00004; TOPMed 0.00002.

Submissions (2):

Ambry Genetics
Classification: Uncertain significance. Last evaluated: 2025-04-03. Review status: criteria provided, single submitter. Criteria: Ambry Variant Classification Scheme 2023. Collection method: clinical testing. Allele origin: germline.

PreventionGenetics, part of Exact Sciences
Classification: Uncertain significance for UCP3-related condition. Last evaluated: 2024-07-23. Review status: no assertion criteria provided. Collection method: clinical testing. Allele origin: germline. Not counted in ClinVar's aggregate classification.
Comment: The UCP3 c.923G>A variant is predicted to result in the amino acid substitution p.Arg308Gln. To our knowledge, this variant has not been reported in the literature. This variant is reported in 0.035% of alleles in individuals of East Asian descent in gnomAD. At this time, the clinical significance of this variant is uncertain due to the absence of conclusive functional and genetic evidence.